The following is an entry in ClinVar:

NM_004560.4(ROR2):c.1386+5C>T

Gene: ROR2 (receptor tyrosine kinase like orphan receptor 2; minus strand). Cytogenetic location: 9q22.31.
Variant type: single nucleotide variant.
Coding change: c.1386+5C>T on transcript NM_004560.4 (MANE Select); 5 bases into the intron after coding-DNA position 1386, C replaced by T.
Molecular consequence: intron variant. On other transcripts: 3 prime UTR variant (1).
Genome position (GRCh38, 1-based): chr9:91,726,536, G>A on the plus strand (C>T on the coding strand, the complement: ROR2 is on the minus strand). VCF-style: chr9-91726536-G-A. GRCh37 (hg19) VCF-style: chr9-94488818-G-A.
Other names: c.*58C>T (NM_001318204.2).
Identifiers: ClinVar variation 4778482 (VCV004778482.1).
Genomic context (GRCh38, chr9:91,726,536, plus strand): 5'-GGAAACAACCCCTGAGGATTAAACCTGGAAGAGCCACCCGGGTAGAAAATGTAAGGCATG[G>A]AGACCTGTTTGTGCTGGTTAATGAGGGGCATTTCCATGTCTTGGCTGGGCGAGGCCATCA-3'

ClinVar aggregate classification (germline): Uncertain significance (1 of 4 stars; one submission).

gnomAD v4.1: 3 of 1,611,684 alleles (0.00019%); highest among the groups gnomAD compares: South Asian, 0.0011%; no homozygotes.

Submission:

Labcorp Genetics (formerly Invitae), Labcorp
Classification: Uncertain significance. Last evaluated: 2025-04-11. Review status: criteria provided, single submitter. Criteria: Invitae Variant Classification Sherloc (09022015). Collection method: clinical testing. Allele origin: germline.
Comment: This sequence change falls in intron 8 of the ROR2 gene. It does not directly change the encoded amino acid sequence of the ROR2 protein. It affects a nucleotide within the consensus splice site. This variant is not present in population databases (gnomAD no frequency). This variant has not been reported in the literature in individuals affected with ROR2-related conditions. Variants that disrupt the consensus splice site are a relatively common cause of aberrant splicing (PMID: 17576681, 9536098). Algorithms developed to predict the effect of sequence changes on RNA splicing suggest that this variant is not likely to affect RNA splicing. In summary, the available evidence is currently insufficient to determine the role of this variant in disease. Therefore, it has been classified as a Variant of Uncertain Significance.

Literature cited by the submitters: PubMed 17576681; PubMed 9536098.